The following is an entry in ClinVar:

ClinVar aggregate classification (germline): Uncertain significance. Review status: criteria provided, single submitter (1 of 4 stars). 2 submissions from 2 submitters: Uncertain significance (1). 1 of the submissions does not count toward it. Last evaluated 2021-05-04.

Conditions:
Epilepsy, familial focal, with variable foci 1 (FFEVF1). Also called: DEPDC5-Related Epilepsy. Identifiers: MedGen C4551983, MONDO:0024556, OMIM 604364.

Allele frequency attached by ClinVar (database versions not stated): gnomAD exomes below 0.00001.
gnomAD v4.1: 6 of 1,551,474 alleles (0.00039%); highest among the groups gnomAD compares: South Asian, 0.0036%; no homozygotes.

Submissions (2):

Women's Health and Genetics/Laboratory Corporation of America, LabCorp
Classification: Uncertain significance. Last evaluated: 2021-05-04. Review status: criteria provided, single submitter. Criteria: LabCorp Variant Classification Summary - May 2015. Collection method: clinical testing. Allele origin: germline.
Comment: Variant summary: DEPDC5 c.3292C>T (p.Arg1098Cys) results in a non-conservative amino acid change in the encoded protein sequence. Three of five in-silico tools predict a damaging effect of the variant on protein function. The variant was absent in 156378 control chromosomes (gnomAD). The available data on variant occurrences in the general population are insufficient to allow any conclusion about variant significance. To our knowledge, no occurrence of c.3292C>T in individuals affected with Epilepsy, Familial Focal, With Variable Foci 1 and no experimental evidence demonstrating its impact on protein function have been reported. No other clinical diagnostic laboratories have submitted clinical-significance assessments for this variant to ClinVar after 2014. Based on the evidence outlined above, the variant was classified as uncertain significance.

Zotz-Klimas Genetics Lab, MVZ Zotz Klimas
Classification: Uncertain significance for Epilepsy, familial focal, with variable foci 1. Last evaluated: 2023-10-09. Review status: no assertion criteria provided. Collection method: clinical testing. Allele origin: germline. Affected: yes. Not counted in ClinVar's aggregate classification.

NM_001242896.3(DEPDC5):c.3292C>T (p.Arg1098Cys)

Gene: DEPDC5 (DEP domain containing 5, GATOR1 subcomplex subunit; plus strand). Cytogenetic location: 22q12.3.
Variant type: single nucleotide variant.
Coding change: c.3292C>T on transcript NM_001242896.3 (MANE Select); coding-DNA position 3292, C replaced by T.
Protein change: p.Arg1098Cys; replaces arginine 1098 with cysteine.
Molecular consequence: missense variant. On other transcripts: non-coding transcript variant (2), intron variant (5).
Genome position (GRCh38, 1-based): chr22:31,861,395, C>T. VCF-style: chr22-31861395-C-T. GRCh37 (hg19) VCF-style: chr22-32257381-C-T.
Other names: c.3265C>T, p.Arg1089Cys (NM_001136029.4); c.3058C>T, p.Arg1020Cys (NM_001363854.2, NM_001364319.2); c.3292C>T, p.Arg1098Cys (NM_001364318.2); c.3208C>T, p.Arg1070Cys (NM_001369901.1, NM_001369902.1); c.3237+3842C>T (NM_014662.6, NM_001369903.1); c.3264+3842C>T (NM_001363852.2, NM_001364320.2); c.3030+3842C>T (NM_001242897.2); short protein forms R1070C, R1020C, R1098C, R1089C.
Identifiers: ClinVar variation 917618 (VCV000917618.3), dbSNP rs777509933, ClinGen allele CA323356173.